The following is an entry in ClinVar:

ClinVar aggregate classification (germline): Uncertain significance (1 of 4 stars; one submission).

Conditions:
Familial hemophagocytic lymphohistiocytosis 3 (FHL3). Also called: UNC13D-Related Familial Hemophagocytic Lymphohistiocytosis (UNC13D-fHLH). Identifiers: Orphanet 540, MedGen C1837174, MONDO:0012146, OMIM 608898.

Allele frequency attached by ClinVar (database versions not stated): gnomAD exomes below 0.00001; gnomAD 0.00001; TOPMed 0.00003.

Submission:

Labcorp Genetics (formerly Invitae), Labcorp
Classification: Uncertain significance for Familial hemophagocytic lymphohistiocytosis 3. Last evaluated: 2022-10-21. Review status: criteria provided, single submitter. Criteria: Invitae Variant Classification Sherloc (09022015). Collection method: clinical testing. Allele origin: germline.
Comment: This sequence change replaces alanine, which is neutral and non-polar, with valine, which is neutral and non-polar, at codon 630 of the UNC13D protein (p.Ala630Val). This variant is present in population databases (rs372467471, gnomAD no frequency). This variant has not been reported in the literature in individuals affected with UNC13D-related conditions. Advanced modeling of protein sequence and biophysical properties (such as structural, functional, and spatial information, amino acid conservation, physicochemical variation, residue mobility, and thermodynamic stability) performed at Invitae indicates that this missense variant is not expected to disrupt UNC13D protein function. In summary, the available evidence is currently insufficient to determine the role of this variant in disease. Therefore, it has been classified as a Variant of Uncertain Significance.

NM_199242.3(UNC13D):c.1889C>T (p.Ala630Val)

Gene: UNC13D (unc-13 homolog D; minus strand). Cytogenetic location: 17q25.1.
Variant type: single nucleotide variant.
Coding change: c.1889C>T on transcript NM_199242.3 (MANE Select); coding-DNA position 1889, C replaced by T.
Protein change: p.Ala630Val; replaces alanine 630 with valine.
Molecular consequence: missense variant.
Genome position (GRCh38, 1-based): chr17:75,835,023, G>A on the plus strand (C>T on the coding strand, the complement: UNC13D is on the minus strand). VCF-style: chr17-75835023-G-A. GRCh37 (hg19) VCF-style: chr17-73831104-G-A.
Other names: short protein forms A630V.
Identifiers: ClinVar variation 1923677 (VCV001923677.2), dbSNP rs372467471, ClinGen allele CA294086571.